The following is an entry in ClinVar:

ClinVar aggregate classification (germline): Uncertain significance. Review status: criteria provided, multiple submitters, no conflicts (2 of 4 stars). 2 submissions from 2 submitters: Uncertain significance (2). Last evaluated 2025-08-25.

Conditions:
Inborn genetic diseases. Identifiers: MedGen C0950123, MeSH D030342.

Allele frequency attached by ClinVar (database versions not stated): gnomAD exomes below 0.00001 and 0.00001; gnomAD 0.00001 and 0.00002; ExAC 0.00002; TOPMed 0.00002.
gnomAD v4.1: 9 of 1,614,070 alleles (0.00056%); highest among the groups gnomAD compares: African/African-American, 0.0027%; no homozygotes.

Submissions (2):

Ambry Genetics
Classification: Uncertain significance for Inborn genetic diseases. Last evaluated: 2025-08-25. Review status: criteria provided, single submitter. Criteria: Ambry Variant Classification Scheme 2023. Collection method: clinical testing. Allele origin: germline.

Labcorp Genetics (formerly Invitae), Labcorp
Classification: Uncertain significance. Last evaluated: 2022-10-22. Review status: criteria provided, single submitter. Criteria: Invitae Variant Classification Sherloc (09022015). Collection method: clinical testing. Allele origin: germline.
Comment: In summary, the available evidence is currently insufficient to determine the role of this variant in disease. Therefore, it has been classified as a Variant of Uncertain Significance. Advanced modeling of protein sequence and biophysical properties (such as structural, functional, and spatial information, amino acid conservation, physicochemical variation, residue mobility, and thermodynamic stability) performed at Invitae indicates that this missense variant is not expected to disrupt FZD4 protein function. ClinVar contains an entry for this variant (Variation ID: 999513). This variant has not been reported in the literature in individuals affected with FZD4-related conditions. This variant is present in population databases (rs772097050, gnomAD 0.0009%). This sequence change replaces glycine, which is neutral and non-polar, with serine, which is neutral and polar, at codon 119 of the FZD4 protein (p.Gly119Ser).

NM_012193.4(FZD4):c.355G>A (p.Gly119Ser)

Genes: PRSS23 (serine protease 23; plus strand), FZD4 (frizzled class receptor 4; minus strand). Cytogenetic location: 11q14.2.
Variant type: single nucleotide variant.
Coding change: c.355G>A on transcript NM_012193.4 (MANE Select); coding-DNA position 355, G replaced by A.
Protein change: p.Gly119Ser; replaces glycine 119 with serine.
Molecular consequence: missense variant. On other transcripts: non-coding transcript variant (2).
Genome position (GRCh38, 1-based): chr11:86,952,401, C>T on the plus strand (G>A on the coding strand, the complement: FZD4 is on the minus strand). VCF-style: chr11-86952401-C-T. GRCh37 (hg19) VCF-style: chr11-86663443-C-T.
Other names: c.355G>A (NM_012193.3); short protein forms G119S.
Identifiers: ClinVar variation 999513 (VCV000999513.11), dbSNP rs772097050, ClinGen allele CA6218470.